The following is an entry in ClinVar:

ClinVar aggregate classification (germline): Uncertain significance (1 of 4 stars; one submission).

gnomAD v4.1: 5 of 1,613,392 alleles (0.00031%); highest among the groups gnomAD compares: Admixed American, 0.0017%; no homozygotes.

Submission:

GeneDx
Classification: Uncertain significance. Last evaluated: 2024-04-18. Review status: criteria provided, single submitter. Criteria: GeneDx Variant Classification Process June 2021. Collection method: clinical testing. Allele origin: germline. Affected: yes.
Comment: Not observed at significant frequency in large population cohorts (gnomAD); In silico analysis supports that this missense variant has a deleterious effect on protein structure/function; Has not been previously published as pathogenic or benign to our knowledge

NM_016239.4(MYO15A):c.10478T>G (p.Leu3493Arg)

Gene: MYO15A (myosin XVA; plus strand). Cytogenetic location: 17p11.2.
Variant type: single nucleotide variant.
Coding change: c.10478T>G on transcript NM_016239.4 (MANE Select); coding-DNA position 10478, T replaced by G.
Protein change: p.Leu3493Arg; replaces leucine 3493 with arginine.
Molecular consequence: missense variant.
Genome position (GRCh38, 1-based): chr17:18,173,908, T>G. VCF-style: chr17-18173908-T-G. GRCh37 (hg19) VCF-style: chr17-18077222-T-G.
Other names: short protein forms L3493R.
Identifiers: ClinVar variation 3372638 (VCV003372638.1).